The following is an entry in ClinVar:

NM_004230.4(S1PR2):c.290C>T (p.Thr97Met)

Gene: S1PR2 (sphingosine-1-phosphate receptor 2; minus strand). Cytogenetic location: 19p13.2.
Variant type: single nucleotide variant.
Coding change: c.290C>T on transcript NM_004230.4 (MANE Select); coding-DNA position 290, C replaced by T.
Protein change: p.Thr97Met; replaces threonine 97 with methionine.
Molecular consequence: missense variant.
Genome position (GRCh38, 1-based): chr19:10,224,616, G>A on the plus strand (C>T on the coding strand, the complement: S1PR2 is on the minus strand). VCF-style: chr19-10224616-G-A. GRCh37 (hg19) VCF-style: chr19-10335292-G-A.
Other names: c.290C>T (NM_004230.3); short protein forms T97M.
Identifiers: ClinVar variation 3021479 (VCV003021479.5), dbSNP rs1431090035, ClinGen allele CA403948917.

ClinVar aggregate classification (germline): Uncertain significance. Review status: criteria provided, multiple submitters, no conflicts (2 of 4 stars). 3 submissions from 3 submitters: Uncertain significance (3). Last evaluated 2024-04-19.

Conditions:
Inborn genetic diseases. Identifiers: MedGen C0950123, MeSH D030342.

Allele frequency attached by ClinVar (database versions not stated): gnomAD exomes below 0.00001; TOPMed 0.00001.
gnomAD v4.1: 6 of 1,614,074 alleles (0.00037%); highest among the groups gnomAD compares: African/African-American, 0.0013%; no homozygotes.

Submissions (3):

Ambry Genetics
Classification: Uncertain significance for Inborn genetic diseases. Last evaluated: 2024-04-19. Review status: criteria provided, single submitter. Criteria: Ambry Variant Classification Scheme 2023. Collection method: clinical testing. Allele origin: germline.

Labcorp Genetics (formerly Invitae), Labcorp
Classification: Uncertain significance. Last evaluated: 2023-11-28. Review status: criteria provided, single submitter. Criteria: Invitae Variant Classification Sherloc (09022015). Collection method: clinical testing. Allele origin: germline.
Comment: This sequence change replaces threonine, which is neutral and polar, with methionine, which is neutral and non-polar, at codon 97 of the S1PR2 protein (p.Thr97Met). This variant is present in population databases (no rsID available, gnomAD 0.0009%). This variant has not been reported in the literature in individuals affected with S1PR2-related conditions. An algorithm developed to predict the effect of missense changes on protein structure and function (PolyPhen-2) suggests that this variant is likely to be disruptive. In summary, the available evidence is currently insufficient to determine the role of this variant in disease. Therefore, it has been classified as a Variant of Uncertain Significance.

Blueprint Genetics
Classification: Uncertain significance. Last evaluated: 2020-05-12. Review status: criteria provided, single submitter. Criteria: ACMG Guidelines, 2015. Collection method: clinical testing. Allele origin: germline.